The following is an entry in ClinVar:

NM_017950.4(CCDC40):c.1266_1281dup (p.Glu428fs)

Gene: CCDC40 (coiled-coil domain 40 molecular ruler complex subunit; plus strand). Cytogenetic location: 17q25.3.
Variant type: Duplication.
Coding change: c.1266_1281dup on transcript NM_017950.4 (MANE Select); coding-DNA positions 1266 to 1281, 16 bases duplicated (AAAGAAGGCCGAGACG).
Protein change: p.Glu428fs; shifts the reading frame from glutamic acid 428.
Molecular consequence: frameshift variant.
Genome position (GRCh38, 1-based): chr17:80,058,600-80,058,615, AAAGAAGGCCGAGACG duplicated. VCF-style (leftmost placement, unchanged base first): chr17-80058599-T-TAAAGAAGGCCGAGACG. GRCh37 (hg19) VCF-style: chr17-78032398-T-TAAAGAAGGCCGAGACG.
Other names: c.1266_1281dup, p.Glu428fs (NM_001243342.2, NM_001330508.2); short protein forms E428fs.
Identifiers: ClinVar variation 2431510 (VCV002431510.1), dbSNP rs2510295924, ClinGen allele CA2580095267.

ClinVar aggregate classification (germline): Pathogenic (1 of 4 stars; one submission).

Conditions:
Primary ciliary dyskinesia 15. Also called: CILIARY DYSKINESIA, PRIMARY, 15, WITH OR WITHOUT SITUS INVERSUS. Identifiers: Orphanet 244, MedGen C3151137, MONDO:0013435, OMIM 613808.

Submission:

Laboratorio de Genetica e Diagnostico Molecular, Hospital Israelita Albert Einstein
Classification: Pathogenic for Primary ciliary dyskinesia 15. Last evaluated: 2022-03-18. Review status: criteria provided, single submitter. Criteria: ACMG Guidelines, 2015. Collection method: clinical testing. Allele origin: germline. Affected: yes. Observed: 1 variant allele.
Comment: ACMG classification criteria: PVS1 very strong, PM2 moderated, PM3 supporting